The following is an entry in ClinVar:

ClinVar aggregate classification (germline): Pathogenic/Likely pathogenic. Review status: criteria provided, multiple submitters, no conflicts (2 of 4 stars). 2 submissions from 2 submitters: Pathogenic (1); Likely pathogenic (1). Last evaluated 2023-08-28.

Conditions:
Glycogen storage disease type III (GSD3). Also called: Cori disease; FORBES DISEASE. Identifiers: Orphanet 366, MedGen C0017922, MONDO:0009291, OMIM 232400.

Submissions (2):

Baylor Genetics
Classification: Likely pathogenic for Glycogen storage disease type III. Last evaluated: 2023-08-28. Review status: criteria provided, single submitter. Criteria: ACMG Guidelines, 2015. Collection method: clinical testing. Allele origin: unknown.

Labcorp Genetics (formerly Invitae), Labcorp
Classification: Pathogenic for Glycogen storage disease type III. Last evaluated: 2021-02-11. Review status: criteria provided, single submitter. Criteria: Invitae Variant Classification Sherloc (09022015). Collection method: clinical testing. Allele origin: germline.
Comment: For these reasons, this variant has been classified as Pathogenic. This variant has not been reported in the literature in individuals with AGL-related conditions. This variant is not present in population databases (ExAC no frequency). This sequence change creates a premature translational stop signal (p.Lys1210Asnfs*17) in the AGL gene. It is expected to result in an absent or disrupted protein product. Loss-of-function variants in AGL are known to be pathogenic (PMID: 19299494).

Literature cited by the submitters: PubMed 19299494 (cited by Labcorp Genetics (formerly Invitae), Labcorp).

NM_000642.3(AGL):c.3630del (p.Lys1210fs)

Gene: AGL (amylo-alpha-1,6-glucosidase and 4-alpha-glucanotransferase; plus strand). Cytogenetic location: 1p21.2.
Variant type: Deletion.
Coding change: c.3630del on transcript NM_000642.3 (MANE Select); coding-DNA position 3630, one base deleted (A; older notation c.3630delA).
Protein change: p.Lys1210fs; shifts the reading frame from lysine 1210.
Molecular consequence: frameshift variant.
Genome position (GRCh38, 1-based): chr1:99,902,724, A deleted; the last of 5 consecutive A bases (chr1:99,902,720-99,902,724); deleting any one gives the same sequence. VCF-style (leftmost placement, unchanged base first): chr1-99902719-CA-C. GRCh37 (hg19) VCF-style: chr1-100368275-CA-C.
Other names: c.3630del (NM_000642.2); c.3630delA, p.Lys1210Asnfs (NM_000028.3, NM_000643.3, NM_000644.3 and 1 more transcripts); c.3582delA, p.Lys1194Asnfs (NM_000646.3); c.3609delA, p.Lys1203Asnfs (NM_001425326.1); c.3429delA, p.Lys1143Asnfs (NM_001425327.1); c.3426delA, p.Lys1142Asnfs (NM_001425328.1); c.3291delA, p.Lys1097Asnfs (NM_001425329.1); c.3252delA, p.Lys1084Asnfs (NM_001425332.1); short protein forms K1194fs, K1210fs.
Identifiers: ClinVar variation 1385350 (VCV001385350.7), dbSNP rs1653938652, ClinGen allele CA1183938156.